The following is an entry in ClinVar:

ClinVar aggregate classification (germline): Uncertain significance. Review status: criteria provided, multiple submitters, no conflicts (2 of 4 stars). 2 submissions from 2 submitters: Uncertain significance (2). Last evaluated 2024-10-15.

Conditions:
Mitochondrial complex II deficiency, nuclear type 1. Also called: SUCCINATE CoQ REDUCTASE DEFICIENCY. Identifiers: Orphanet 3208, MedGen C5700310, MONDO:0100294, OMIM 252011.
Pheochromocytoma/paraganglioma syndrome 5. Also called: Paragangliomas 5; SDHA-Related Hereditary Paraganglioma-Pheochromocytoma Syndrome. Identifiers: Orphanet 29072, MedGen C3279992, MONDO:0013602, OMIM 614165.
Hereditary cancer-predisposing syndrome. Also called: Neoplastic Syndromes, Hereditary; Hereditary Cancer Syndrome; Hereditary neoplastic syndrome; Tumor predisposition. Identifiers: Orphanet 140162, MedGen C0027672, MeSH D009386, MONDO:0015356.

Allele frequency attached by ClinVar (database versions not stated): TOPMed 0.00001.

Submissions (2):

Labcorp Genetics (formerly Invitae), Labcorp
Classification: Uncertain significance for Pheochromocytoma/paraganglioma syndrome 5; Mitochondrial complex II deficiency, nuclear type 1. Last evaluated: 2024-10-15. Review status: criteria provided, single submitter. Criteria: Invitae Variant Classification Sherloc (09022015). Collection method: clinical testing. Allele origin: germline.
Comment: This sequence change replaces glutamic acid, which is acidic and polar, with aspartic acid, which is acidic and polar, at codon 651 of the SDHA protein (p.Glu651Asp). This variant is not present in population databases (gnomAD no frequency). This variant has not been reported in the literature in individuals affected with SDHA-related conditions. ClinVar contains an entry for this variant (Variation ID: 1520939). Invitae Evidence Modeling of protein sequence and biophysical properties (such as structural, functional, and spatial information, amino acid conservation, physicochemical variation, residue mobility, and thermodynamic stability) indicates that this missense variant is not expected to disrupt SDHA protein function with a negative predictive value of 95%. In summary, the available evidence is currently insufficient to determine the role of this variant in disease. Therefore, it has been classified as a Variant of Uncertain Significance.

Ambry Genetics
Classification: Uncertain significance for Hereditary cancer-predisposing syndrome. Last evaluated: 2020-06-23. Review status: criteria provided, single submitter. Criteria: Ambry Variant Classification Scheme 2023. Collection method: clinical testing. Allele origin: germline.
Comment: The p.E651D variant (also known as c.1953G>T), located in coding exon 15 of the SDHA gene, results from a G to T substitution at nucleotide position 1953. The glutamic acid at codon 651 is replaced by aspartic acid, an amino acid with highly similar properties. This amino acid position is highly conserved in available vertebrate species. In addition, this alteration is predicted to be tolerated by in silico analysis. Since supporting evidence is limited at this time, the clinical significance of this alteration remains unclear.

NM_004168.4(SDHA):c.1953G>T (p.Glu651Asp)

Gene: SDHA (succinate dehydrogenase complex flavoprotein subunit A; plus strand). Cytogenetic location: 5p15.33.
Variant type: single nucleotide variant.
Coding change: c.1953G>T on transcript NM_004168.4 (MANE Select); coding-DNA position 1953, G replaced by T.
Protein change: p.Glu651Asp; replaces glutamic acid 651 with aspartic acid.
Molecular consequence: missense variant.
Genome position (GRCh38, 1-based): chr5:256,378, G>T. VCF-style: chr5-256378-G-T. GRCh37 (hg19) VCF-style: chr5-256493-G-T.
Other names: c.1809G>T, p.Glu603Asp (NM_001294332.2); c.1710G>T, p.Glu570Asp (NM_001330758.2); short protein forms E570D, E603D, E651D.
Identifiers: ClinVar variation 1520939 (VCV001520939.8), dbSNP rs1579448683, ClinGen allele CA359002923.
Genomic context (GRCh38, chr5:256,378, plus strand): 5'-GACTCTTCTTTTCAAGGTCACTCTGGAATATAGACCCGTGATCGACAAAACTTTGAACGA[G>T]GCTGACTGTGCCACCGTCCCGCCAGCCATTCGCTCCTACTGATGAGACAAGATGTGGTGA-3'
Protein context (NP_004159.2, residues 641-661): YRPVIDKTLN[Glu651Asp]ADCATVPPAI